The following is an entry in ClinVar:

NM_000520.6(HEXA):c.308G>A (p.Gly103Glu)

Gene: HEXA (hexosaminidase subunit alpha; minus strand). Cytogenetic location: 15q23.
Variant type: single nucleotide variant.
Coding change: c.308G>A on transcript NM_000520.6 (MANE Select); coding-DNA position 308, G replaced by A.
Protein change: p.Gly103Glu; replaces glycine 103 with glutamic acid.
Molecular consequence: missense variant. On other transcripts: non-coding transcript variant (1).
Genome position (GRCh38, 1-based): chr15:72,356,563, C>T on the plus strand (G>A on the coding strand, the complement: HEXA is on the minus strand). VCF-style: chr15-72356563-C-T. GRCh37 (hg19) VCF-style: chr15-72648904-C-T.
Other names: c.341G>A, p.Gly114Glu (NM_001318825.2); short protein forms G114E, G103E.
Identifiers: ClinVar variation 2201383 (VCV002201383.3), dbSNP rs917574824, ClinGen allele CA272615033.

ClinVar aggregate classification (germline): Uncertain significance (1 of 4 stars; one submission).

Conditions:
Tay-Sachs disease (TSD). Also called: GM2 gangliosidosis, type 1; Hexosaminidase alpha-subunit deficiency (variant B); Sphingolipidosis, Tay-Sachs; HEXA DEFICIENCY; Hexosaminidase A Deficiency; HEXA Disorders. Identifiers: Orphanet 845, MedGen C0039373, MONDO:0010100, OMIM 272800.

Allele frequency attached by ClinVar (database versions not stated): gnomAD 0.00001; gnomAD exomes 0.00002; TOPMed 0.00002.
gnomAD v4.1: 11 of 1,613,962 alleles (0.00068%); highest among the groups gnomAD compares: Non-Finnish European, 0.00093%; no homozygotes.

Submission:

Labcorp Genetics (formerly Invitae), Labcorp
Classification: Uncertain significance for Tay-Sachs disease. Last evaluated: 2023-05-08. Review status: criteria provided, single submitter. Criteria: Invitae Variant Classification Sherloc (09022015). Collection method: clinical testing. Allele origin: germline.
Comment: In summary, the available evidence is currently insufficient to determine the role of this variant in disease. Therefore, it has been classified as a Variant of Uncertain Significance. Advanced modeling of protein sequence and biophysical properties (such as structural, functional, and spatial information, amino acid conservation, physicochemical variation, residue mobility, and thermodynamic stability) performed at Invitae indicates that this missense variant is not expected to disrupt HEXA protein function. ClinVar contains an entry for this variant (Variation ID: 2201383). This variant has not been reported in the literature in individuals affected with HEXA-related conditions. This variant is present in population databases (no rsID available, gnomAD 0.003%). This sequence change replaces glycine, which is neutral and non-polar, with glutamic acid, which is acidic and polar, at codon 103 of the HEXA protein (p.Gly103Glu).